The following is an entry in ClinVar:

NM_020203.6(MEPE):c.898A>C (p.Lys300Gln)

Genes: MEPE (matrix extracellular phosphoglycoprotein; plus strand), MEPE-AS1 (MEPE and IBSP antisense RNA 1; minus strand). Cytogenetic location: 4q22.1.
Variant type: single nucleotide variant.
Coding change: c.898A>C on transcript NM_020203.6 (MANE Select); coding-DNA position 898, A replaced by C.
Protein change: p.Lys300Gln; replaces lysine 300 with glutamine.
Molecular consequence: missense variant.
Genome position (GRCh38, 1-based): chr4:87,845,766, A>C. VCF-style: chr4-87845766-A-C. GRCh37 (hg19) VCF-style: chr4-88766918-A-C.
Other names: c.898A>C, p.Lys300Gln (NM_001184694.3); c.559A>C, p.Lys187Gln (NM_001184695.4, NM_001184696.2, NM_001184697.2); c.991A>C, p.Lys331Gln (NM_001291183.2); short protein forms K187Q, K331Q, K300Q.
Identifiers: ClinVar variation 4980362 (VCV004980362.1).

ClinVar aggregate classification (germline): Uncertain significance (1 of 4 stars; one submission).

Conditions:
MEPE-related disorder. Also called: MEPE-related condition.

Submission:

PreventionGenetics, part of Exact Sciences
Classification: Uncertain significance for MEPE-related condition. Last evaluated: 2026-06-22. Review status: criteria provided, single submitter. Criteria: ACMG Guidelines, 2015. Collection method: clinical testing. Allele origin: germline.
Comment: The MEPE c.991A>C variant is predicted to result in the amino acid substitution p.Lys331Gln. To our knowledge, this variant has not been reported in the literature. This variant is reported in 0.0062% of alleles in individuals of European (Non-Finnish) descent in gnomAD. At this time, the clinical significance of this variant is uncertain due to the absence of conclusive functional and genetic evidence.